The following is an entry in ClinVar:

NM_003793.4(CTSF):c.810C>T (p.Leu270=)

Gene: CTSF (cathepsin F; minus strand). Cytogenetic location: 11q13.2.
Variant type: single nucleotide variant.
Coding change: c.810C>T on transcript NM_003793.4 (MANE Select); coding-DNA position 810, C replaced by T.
Protein change: p.Leu270=; no amino-acid change (leucine 270 retained).
Molecular consequence: synonymous variant.
Genome position (GRCh38, 1-based): chr11:66,566,079, G>A on the plus strand (C>T on the coding strand, the complement: CTSF is on the minus strand). VCF-style: chr11-66566079-G-A. GRCh37 (hg19) VCF-style: chr11-66333550-G-A.
Identifiers: ClinVar variation 790998 (VCV000790998.32), dbSNP rs147398226, ClinGen allele CA6125431.

ClinVar aggregate classification (germline): Likely benign. Review status: criteria provided, multiple submitters, no conflicts (2 of 4 stars). 3 submissions from 3 submitters: Likely benign (3). Last evaluated 2026-01-24.

Conditions:
Neuronal ceroid lipofuscinosis 13 (CLN13). Also called: CEROID LIPOFUSCINOSIS, NEURONAL, 13 (KUFS TYPE); CLN13 Disease. Identifiers: Orphanet 352709, Orphanet 79262, MedGen C3715049, MONDO:0014147, OMIM 615362.

Allele frequency attached by ClinVar (database versions not stated): ExAC 0.00002; gnomAD exomes 0.00002 and 0.00007; ESP Exome Variant Server 0.00015; gnomAD 0.00009; TOPMed 0.00010.
gnomAD v4.1: 114 of 1,614,052 alleles (0.0071%); highest among the groups gnomAD compares: East Asian, 0.14%; no homozygotes.

Submissions (3):

Labcorp Genetics (formerly Invitae), Labcorp
Classification: Likely benign for Neuronal ceroid lipofuscinosis 13. Last evaluated: 2026-01-24. Review status: criteria provided, single submitter. Criteria: Invitae Variant Classification Sherloc (09022015). Collection method: clinical testing. Allele origin: germline.

CeGaT Center for Human Genetics Tuebingen
Classification: Likely benign. Last evaluated: 2022-04-01. Review status: criteria provided, single submitter. Criteria: CeGaT Center For Human Genetics Tuebingen Variant Classification Criteria Version 2. Collection method: clinical testing. Allele origin: germline. Affected: yes. Observed: 1 variant allele.
Comment: CTSF: BP4, BP7

Blueprint Genetics
Classification: Likely benign. Last evaluated: 2022-02-22. Review status: criteria provided, single submitter. Criteria: ACMG Guidelines, 2015. Collection method: clinical testing. Allele origin: germline.